The following is an entry in ClinVar:

NM_001852.4(COL9A2):c.55G>T (p.Val19Leu)

Gene: COL9A2 (collagen type IX alpha 2 chain; minus strand). Cytogenetic location: 1p34.2.
Variant type: single nucleotide variant.
Coding change: c.55G>T on transcript NM_001852.4 (MANE Select); coding-DNA position 55, G replaced by T.
Protein change: p.Val19Leu; replaces valine 19 with leucine.
Molecular consequence: missense variant.
Genome position (GRCh38, 1-based): chr1:40,317,143, C>A on the plus strand (G>T on the coding strand, the complement: COL9A2 is on the minus strand). VCF-style: chr1-40317143-C-A. GRCh37 (hg19) VCF-style: chr1-40782815-C-A.
Other names: short protein forms V19L.
Identifiers: ClinVar variation 1718040 (VCV001718040.5), dbSNP rs1202494153, ClinGen allele CA339860801.

ClinVar aggregate classification (germline): Uncertain significance (1 of 4 stars; one submission).

gnomAD v4.1: 3 of 1,585,356 alleles (0.00019%); highest among the groups gnomAD compares: East Asian, 0.007%; no homozygotes.

Submission:

Labcorp Genetics (formerly Invitae), Labcorp
Classification: Uncertain significance. Last evaluated: 2025-02-03. Review status: criteria provided, single submitter. Criteria: Invitae Variant Classification Sherloc (09022015). Collection method: clinical testing. Allele origin: germline.
Comment: This sequence change replaces valine, which is neutral and non-polar, with leucine, which is neutral and non-polar, at codon 19 of the COL9A2 protein (p.Val19Leu). The frequency data for this variant in the population databases is considered unreliable, as metrics indicate poor data quality at this position in the gnomAD database. This variant has not been reported in the literature in individuals affected with COL9A2-related conditions. ClinVar contains an entry for this variant (Variation ID: 1718040). Invitae Evidence Modeling of protein sequence and biophysical properties (such as structural, functional, and spatial information, amino acid conservation, physicochemical variation, residue mobility, and thermodynamic stability) indicates that this missense variant is not expected to disrupt COL9A2 protein function with a negative predictive value of 95%. In summary, the available evidence is currently insufficient to determine the role of this variant in disease. Therefore, it has been classified as a Variant of Uncertain Significance.